The following is an entry in ClinVar:

NM_001130987.2(DYSF):c.4387+2T>C

Gene: DYSF (dysferlin; plus strand). Cytogenetic location: 2p13.2.
Variant type: single nucleotide variant.
Coding change: c.4387+2T>C on transcript NM_001130987.2 (MANE Select); the canonical splice donor site of the intron after coding-DNA position 4387, T replaced by C.
Molecular consequence: splice donor variant.
Genome position (GRCh38, 1-based): chr2:71,612,808, T>C. VCF-style: chr2-71612808-T-C. GRCh37 (hg19) VCF-style: chr2-71839938-T-C.
Other names: c.4426+2T>C (NM_001130979.2); c.4384+2T>C (NM_001130981.2, NM_001130980.2); c.4333+2T>C (NM_001130978.2, NM_003494.4); c.4291+2T>C (NM_001130977.2, NM_001130976.2); c.4429+2T>C (NM_001130982.2); c.4387+2T>C (NM_001130985.2); c.4336+2T>C (NM_001130983.2, NM_001130455.2); c.4294+2T>C (NM_001130984.2, NM_001130986.2).
Identifiers: ClinVar variation 838510 (VCV000838510.11), dbSNP rs759939755, ClinGen allele CA1706981.
Genomic context (GRCh38, chr2:71,612,808, plus strand): 5'-GGAGAGCTTCCTGTGTGACCCCTACTCGGCGGAGAGTCCATCCCCACAGGGTGGCCCAGG[T>C]AGGGGAAGGGGAGATGATGGGCAGGTCAGGGAAGGGGGAGCCTCAGGGCCAAGCTACCCT-3'

ClinVar aggregate classification (germline): Likely pathogenic. Review status: criteria provided, multiple submitters, no conflicts (2 of 4 stars). 4 submissions from 4 submitters: Likely pathogenic (4). Last evaluated 2024-10-29.

Conditions:
Distal myopathy with anterior tibial onset. Identifiers: Orphanet 178400, MedGen C1847532, MONDO:0011721, OMIM 606768.
Miyoshi muscular dystrophy 1 (MMD1). Identifiers: Orphanet 45448, MedGen C4551973, MONDO:0024545, OMIM 254130.
Autosomal recessive limb-girdle muscular dystrophy type 2B (LGMDR2). Also called: Limb-Girdle Muscular Dystrophy Type 2B (LGMD2B); MUSCULAR DYSTROPHY, LIMB-GIRDLE, TYPE 3; Limb-girdle muscular dystrophy, type 2B; MUSCULAR DYSTROPHY, LIMB-GIRDLE, AUTOSOMAL RECESSIVE 2. Identifiers: Orphanet 268, MedGen C1850889, MONDO:0009676, OMIM 253601.
Neuromuscular disease caused by qualitative or quantitative defects of dysferlin. Also called: Dysferlinopathy; Qualitative or quantitative defects of dysferlin. Identifiers: Orphanet 207073, MedGen C2931687, MONDO:0016145.

Allele frequency attached by ClinVar (database versions not stated): gnomAD exomes 0.00001; ExAC 0.00003.
gnomAD v4.1: 10 of 1,610,666 alleles (0.00062%); highest among the groups gnomAD compares: South Asian, 0.011%; no homozygotes.

Submissions (4):

Natera, Inc.
Classification: Likely pathogenic for Limb-girdle muscular dystrophy type 2B. Last evaluated: 2024-10-29. Review status: criteria provided, single submitter. Criteria: Natera Variant Classification Schema (03/2026). Collection method: clinical testing. Allele origin: germline.
Comment: The c.4333+2T>C variant in DYSF is a canonical splice donor site variant predicted to affect pre-mRNA splicing, which may result in an abnormal transcript and altered protein product. This variant is expected to result in nonsense mediated decay, truncation, or a dysfunctional protein product. This variant is rare in the general population with a frequency below the threshold expected for the associated phenotype(s). Given the available evidence, this variant is classified as Likely Pathogenic.

Fulgent Genetics
Classification: Likely pathogenic for Autosomal recessive limb-girdle muscular dystrophy type 2B; Miyoshi muscular dystrophy 1; Distal myopathy with anterior tibial onset. Last evaluated: 2024-05-18. Review status: criteria provided, single submitter. Criteria: ACMG Guidelines, 2015. Collection method: clinical testing. Allele origin: germline.

Labcorp Genetics (formerly Invitae), Labcorp
Classification: Likely pathogenic for Neuromuscular disease caused by qualitative or quantitative defects of dysferlin. Last evaluated: 2023-09-22. Review status: criteria provided, single submitter. Criteria: Invitae Variant Classification Sherloc (09022015). Collection method: clinical testing. Allele origin: germline.
Comment: ClinVar contains an entry for this variant (Variation ID: 838510). In summary, the currently available evidence indicates that the variant is pathogenic, but additional data are needed to prove that conclusively. Therefore, this variant has been classified as Likely Pathogenic. Algorithms developed to predict the effect of sequence changes on RNA splicing suggest that this variant may disrupt the consensus splice site. This variant has not been reported in the literature in individuals affected with DYSF-related conditions. This variant is present in population databases (rs759939755, gnomAD 0.01%). This sequence change affects a donor splice site in intron 39 of the DYSF gene. It is expected to disrupt RNA splicing. Variants that disrupt the donor or acceptor splice site typically lead to a loss of protein function (PMID: 16199547), and loss-of-function variants in DYSF are known to be pathogenic (PMID: 17698709, 20301480).

Baylor Genetics
Classification: Likely pathogenic for Miyoshi muscular dystrophy 1. Last evaluated: 2022-02-06. Review status: criteria provided, single submitter. Criteria: ACMG Guidelines, 2015. Collection method: clinical testing. Allele origin: unknown.

Literature cited by the submitters: PubMed 16199547 (cited by Labcorp Genetics (formerly Invitae), Labcorp); PubMed 17698709 (cited by Labcorp Genetics (formerly Invitae), Labcorp); PubMed 20301480 (cited by Labcorp Genetics (formerly Invitae), Labcorp).